The following is an entry in ClinVar:

NM_017947.4(MOCOS):c.1466G>A (p.Arg489His)

Gene: MOCOS (molybdenum cofactor sulfurase; plus strand). Cytogenetic location: 18q12.2.
Variant type: single nucleotide variant.
Coding change: c.1466G>A on transcript NM_017947.4 (MANE Select); coding-DNA position 1466, G replaced by A.
Protein change: p.Arg489His; replaces arginine 489 with histidine.
Molecular consequence: missense variant.
Genome position (GRCh38, 1-based): chr18:36,215,646, G>A. VCF-style: chr18-36215646-G-A. GRCh37 (hg19) VCF-style: chr18-33795609-G-A.
Other names: short protein forms R489H.
Identifiers: ClinVar variation 2648675 (VCV002648675.24), dbSNP rs182781411, ClinGen allele CA8940750.

ClinVar aggregate classification (germline): Likely benign (1 of 4 stars; one submission).

Allele frequency attached by ClinVar (database versions not stated): gnomAD 0.00001; gnomAD exomes 0.00001; ExAC 0.00003; 1000 Genomes Project 30x 0.00016; 1000 Genomes Project 0.00020.
gnomAD v4.1: 25 of 1,614,112 alleles (0.0015%); highest among the groups gnomAD compares: East Asian, 0.0067%; 1 homozygote.

Submission:

CeGaT Center for Human Genetics Tuebingen
Classification: Likely benign. Last evaluated: 2023-03-01. Review status: criteria provided, single submitter. Criteria: CeGaT Center For Human Genetics Tuebingen Variant Classification Criteria Version 2. Collection method: clinical testing. Allele origin: germline. Affected: yes. Observed: 1 variant allele.
Comment: MOCOS: BP4